The following is an entry in ClinVar:

NM_001282116.2(RFX3):c.1786C>T (p.Gln596Ter)

Gene: RFX3 (regulatory factor X3; minus strand). Cytogenetic location: 9p24.2.
Variant type: single nucleotide variant.
Coding change: c.1786C>T on transcript NM_001282116.2 (MANE Select); coding-DNA position 1786, C replaced by T.
Protein change: p.Gln596Ter; replaces glutamine 596 with a stop codon.
Molecular consequence: nonsense.
Genome position (GRCh38, 1-based): chr9:3,257,019, G>A on the plus strand (C>T on the coding strand, the complement: RFX3 is on the minus strand). VCF-style: chr9-3257019-G-A. GRCh37 (hg19) VCF-style: chr9-3257019-G-A.
Other names: c.1786C>T, p.Gln596Ter (NM_001377999.1, NM_002919.4, NM_134428.3); short protein forms Q596*.
Identifiers: ClinVar variation 3788555 (VCV003788555.1).

ClinVar aggregate classification (germline): Pathogenic (1 of 4 stars; one submission).

Conditions:
Inborn genetic diseases. Identifiers: MedGen C0950123, MeSH D030342.

Submission:

Ambry Genetics
Classification: Pathogenic for Inborn genetic diseases. Last evaluated: 2025-03-14. Review status: criteria provided, single submitter. Criteria: Ambry Variant Classification Scheme 2023. Collection method: clinical testing. Allele origin: germline.
Comment: The c.1786C>T (p.Q596*) alteration, located in exon 15 (coding exon 13) of the RFX3 gene, consists of a C to T substitution at nucleotide position 1786. This changes the amino acid from a glutamine (Q) to a stop codon at amino acid position 596. This alteration is expected to result in loss of function by premature protein truncation or nonsense-mediated mRNA decay. This variant was not reported in population-based cohorts in the Genome Aggregation Database (gnomAD). Based on the available evidence, this alteration is classified as pathogenic.